The following is an entry in ClinVar:

ClinVar aggregate classification (germline): Conflicting classifications of pathogenicity. Review status: criteria provided, conflicting classifications (1 of 4 stars). 2 submissions from 2 submitters: Uncertain significance (1); Likely benign (1). Last evaluated 2023-08-23.

Conditions:
Inborn genetic diseases. Identifiers: MedGen C0950123, MeSH D030342.

Allele frequency attached by ClinVar (database versions not stated): ExAC 0.00002; gnomAD exomes 0.00002; TOPMed 0.00002; gnomAD 0.00013.
gnomAD v4.1: 55 of 1,613,860 alleles (0.0034%); highest among the groups gnomAD compares: Non-Finnish European, 0.0041%; no homozygotes.

Submissions (2):

Labcorp Genetics (formerly Invitae), Labcorp
Classification: Uncertain significance. Last evaluated: 2023-08-23. Review status: criteria provided, single submitter. Criteria: Invitae Variant Classification Sherloc (09022015). Collection method: clinical testing. Allele origin: germline.
Comment: This variant has not been reported in the literature in individuals affected with SRCAP-related conditions. In summary, the available evidence is currently insufficient to determine the role of this variant in disease. Therefore, it has been classified as a Variant of Uncertain Significance. Advanced modeling of protein sequence and biophysical properties (such as structural, functional, and spatial information, amino acid conservation, physicochemical variation, residue mobility, and thermodynamic stability) performed at Invitae indicates that this missense variant is not expected to disrupt SRCAP protein function. ClinVar contains an entry for this variant (Variation ID: 2218517). This variant is present in population databases (rs774989117, gnomAD 0.02%). This sequence change replaces valine, which is neutral and non-polar, with isoleucine, which is neutral and non-polar, at codon 1431 of the SRCAP protein (p.Val1431Ile).

Ambry Genetics
Classification: Likely benign for Inborn genetic diseases. Last evaluated: 2021-08-02. Review status: criteria provided, single submitter. Criteria: Ambry Variant Classification Scheme 2023. Collection method: clinical testing. Allele origin: germline.

NM_006662.3(SRCAP):c.4291G>A (p.Val1431Ile)

Gene: SRCAP (Snf2 related CREBBP activator protein; plus strand). Cytogenetic location: 16p11.2.
Variant type: single nucleotide variant.
Coding change: c.4291G>A on transcript NM_006662.3 (MANE Select); coding-DNA position 4291, G replaced by A.
Protein change: p.Val1431Ile; replaces valine 1431 with isoleucine.
Molecular consequence: missense variant.
Genome position (GRCh38, 1-based): chr16:30,723,715, G>A. VCF-style: chr16-30723715-G-A. GRCh37 (hg19) VCF-style: chr16-30735036-G-A.
Other names: short protein forms V1431I.
Identifiers: ClinVar variation 2218517 (VCV002218517.4), dbSNP rs774989117, ClinGen allele CA8011717.